The following is an entry in ClinVar:

NM_003242.6(TGFBR2):c.239C>T (p.Pro80Leu)

Gene: TGFBR2 (transforming growth factor beta receptor 2; plus strand). Cytogenetic location: 3p24.1.
Variant type: single nucleotide variant.
Coding change: c.239C>T on transcript NM_003242.6 (MANE Select); coding-DNA position 239, C replaced by T.
Protein change: p.Pro80Leu; replaces proline 80 with leucine.
Molecular consequence: missense variant. On other transcripts: intron variant (2).
Genome position (GRCh38, 1-based): chr3:30,644,891, C>T. VCF-style: chr3-30644891-C-T. GRCh37 (hg19) VCF-style: chr3-30686383-C-T.
Other names: c.134C>T, p.Pro45Leu (NM_001407134.1, NM_001407135.1, NM_001407136.1 and 3 more transcripts); c.314C>T, p.Pro105Leu (NM_001407139.1, NM_001024847.3, NM_001407126.1); c.169+21618C>T (NM_001407137.1); c.95-26747C>T (NM_001407138.1); c.239C>T, p.Pro80Leu (NM_001407127.1, NM_001407130.1); c.266C>T, p.Pro89Leu (NM_001407128.1); short protein forms P105L, P45L, P80L, P89L.
Identifiers: ClinVar variation 3635609 (VCV003635609.2).

ClinVar aggregate classification (germline): Uncertain significance (1 of 4 stars; one submission).

Conditions:
Familial thoracic aortic aneurysm and aortic dissection (TAAD). Also called: Thoracic aortic aneurysms and dissections. Identifiers: Orphanet 91387, MedGen C4707243, MONDO:0019625.

Submission:

Labcorp Genetics (formerly Invitae), Labcorp
Classification: Uncertain significance for Familial thoracic aortic aneurysm and aortic dissection. Last evaluated: 2024-04-14. Review status: criteria provided, single submitter. Criteria: Invitae Variant Classification Sherloc (09022015). Collection method: clinical testing. Allele origin: germline.
Comment: This sequence change replaces proline, which is neutral and non-polar, with leucine, which is neutral and non-polar, at codon 80 of the TGFBR2 protein (p.Pro80Leu). This variant is not present in population databases (gnomAD no frequency). This variant has not been reported in the literature in individuals affected with TGFBR2-related conditions. Advanced modeling of protein sequence and biophysical properties (such as structural, functional, and spatial information, amino acid conservation, physicochemical variation, residue mobility, and thermodynamic stability) has been performed at Invitae for this missense variant, however the output from this modeling did not meet the statistical confidence thresholds required to predict the impact of this variant on TGFBR2 protein function. In summary, the available evidence is currently insufficient to determine the role of this variant in disease. Therefore, it has been classified as a Variant of Uncertain Significance.